The following is an entry in ClinVar:

NM_002641.4(PIGA):c.325A>G (p.Ser109Gly)

Gene: PIGA (phosphatidylinositol glycan anchor biosynthesis class A; minus strand). Cytogenetic location: Xp22.2.
Variant type: single nucleotide variant.
Coding change: c.325A>G on transcript NM_002641.4 (MANE Select); coding-DNA position 325, A replaced by G.
Protein change: p.Ser109Gly; replaces serine 109 with glycine.
Molecular consequence: missense variant. On other transcripts: non-coding transcript variant (2), intron variant (2).
Genome position (GRCh38, 1-based): chrX:15,331,606, T>C on the plus strand (A>G on the coding strand, the complement: PIGA is on the minus strand). VCF-style: chrX-15331606-T-C. GRCh37 (hg19) VCF-style: chrX-15349728-T-C.
Other names: c.325A>G, p.Ser109Gly (NM_001440789.1); c.13+3895A>G (NM_020473.3); c.14-3293A>G (NM_001440790.1); short protein forms S109G.
Identifiers: ClinVar variation 4076525 (VCV004076525.1).

ClinVar aggregate classification (germline): Uncertain significance (1 of 4 stars; one submission).

Submission:

GeneDx
Classification: Uncertain significance. Last evaluated: 2025-02-24. Review status: criteria provided, single submitter. Criteria: GeneDx Variant Classification Process June 2021. Collection method: clinical testing. Allele origin: germline. Affected: yes.
Comment: Not observed at significant frequency in large population cohorts (gnomAD); In silico analysis supports that this missense variant has a deleterious effect on protein structure/function; Has not been previously published as pathogenic or benign to our knowledge